The following is an entry in ClinVar:

NM_007294.4(BRCA1):c.5398C>G (p.Leu1800Val)

Gene: BRCA1 (BRCA1 DNA repair associated; minus strand). Cytogenetic location: 17q21.31.
Variant type: single nucleotide variant.
Coding change: c.5398C>G on transcript NM_007294.4 (MANE Select); coding-DNA position 5398, C replaced by G.
Protein change: p.Leu1800Val; replaces leucine 1800 with valine.
Molecular consequence: missense variant. On other transcripts: non-coding transcript variant (1), intron variant (1).
Genome position (GRCh38, 1-based): chr17:43,049,129, G>C on the plus strand (C>G on the coding strand, the complement: BRCA1 is on the minus strand). VCF-style: chr17-43049129-G-C. GRCh37 (hg19) VCF-style: chr17-41201146-G-C.
Other names: c.5014C>G, p.Leu1672Val (NM_001407962.1, NM_001407960.1); c.2089C>G, p.Leu697Val (NM_001407973.1, NM_001407974.1, NM_001407975.1 and 3 more transcripts); c.2086C>G, p.Leu696Val (NM_001407979.1, NM_001407980.1, NM_001407981.1 and 11 more transcripts); c.2083C>G, p.Leu695Val (NM_001408396.1, NM_001408397.1, NM_001408398.1 and 7 more transcripts); c.2008C>G, p.Leu670Val (NM_001408416.1, NM_001408412.1, NM_001408413.1 and 2 more transcripts); c.1972C>G, p.Leu658Val (NM_001408418.1, NM_001408419.1, NM_001408420.1); c.1969C>G, p.Leu657Val (NM_001408421.1, NM_001408422.1, NM_001408423.1 and 1 more transcripts); c.1966C>G, p.Leu656Val (NM_001408425.1, NM_001408426.1, NM_001408427.1 and 4 more transcripts); and 73 more; short protein forms L1800V, L1821V, L1753V, L696V, L694V, L1631V, L1646V, L1671V.
Identifiers: ClinVar variation 868420 (VCV000868420.3), dbSNP rs2051074344, ClinGen allele CA10590680.

Conditions:
Breast-ovarian cancer, familial, susceptibility to, 1 (BROVCA1). Also called: BRCA1 Hereditary Breast and Ovarian Cancer; OVARIAN CANCER, SUSCEPTIBILITY TO. Identifiers: Orphanet 145, MedGen C2676676, MONDO:0011450, OMIM 604370. Disease mechanism: loss of function.

Submission:

Brotman Baty Institute, University of Washington
No classification provided (evidence only). Condition: Breast-ovarian cancer, familial 1. Review status: no classification provided. Collection method: in vitro. Allele origin: not applicable. Functional consequence: functionally_normal.
ClinVar note: "not provided" was previously submitted as the classification for the variant. However, the classification appeared to be based only on an observation of functional data so it was converted to no classification on 2025-07-30.